The following is an entry in ClinVar:

ClinVar aggregate classification (germline): Uncertain significance (1 of 4 stars; one submission).

gnomAD v4.1: 9 of 1,610,616 alleles (0.00056%); highest among the groups gnomAD compares: Admixed American, 0.013%; no homozygotes.

Submission:

Labcorp Genetics (formerly Invitae), Labcorp
Classification: Uncertain significance. Last evaluated: 2025-07-24. Review status: criteria provided, single submitter. Criteria: Invitae Variant Classification Sherloc (09022015). Collection method: clinical testing. Allele origin: germline.
Comment: This sequence change replaces glycine, which is neutral and non-polar, with aspartic acid, which is acidic and polar, at codon 1086 of the SUCO protein (p.Gly1086Asp). This variant is present in population databases (rs772742218, gnomAD 0.02%). This variant has not been reported in the literature in individuals affected with SUCO-related conditions. ClinVar contains an entry for this variant (Variation ID: 3630699). An algorithm developed to predict the effect of missense changes on protein structure and function (PolyPhen-2) suggests that this variant is likely to be tolerated. In summary, the available evidence is currently insufficient to determine the role of this variant in disease. Therefore, it has been classified as a Variant of Uncertain Significance.

NM_014283.5(SUCO):c.3257G>A (p.Gly1086Asp)

Gene: SUCO (SUN domain containing ossification factor; plus strand). Cytogenetic location: 1q24.3.
Variant type: single nucleotide variant.
Coding change: c.3257G>A on transcript NM_014283.5 (MANE Select); coding-DNA position 3257, G replaced by A.
Protein change: p.Gly1086Asp; replaces glycine 1086 with aspartic acid.
Molecular consequence: missense variant.
Genome position (GRCh38, 1-based): chr1:172,602,779, G>A. VCF-style: chr1-172602779-G-A. GRCh37 (hg19) VCF-style: chr1-172571919-G-A.
Other names: c.1568G>A, p.Gly523Asp (NM_001282751.2); c.3710G>A, p.Gly1237Asp (NM_016227.4); c.2144G>A, p.Gly715Asp (NM_001282750.2); short protein forms G1086D, G1237D, G715D, G523D.
Identifiers: ClinVar variation 3630699 (VCV003630699.2).